The following is an entry in ClinVar:

NM_000384.3(APOB):c.4162C>A (p.Arg1388Ser)

Gene: APOB (apolipoprotein B; minus strand). Cytogenetic location: 2p24.1.
Variant type: single nucleotide variant.
Coding change: c.4162C>A on transcript NM_000384.3 (MANE Select); coding-DNA position 4162, C replaced by A.
Protein change: p.Arg1388Ser; replaces arginine 1388 with serine.
Molecular consequence: missense variant.
Genome position (GRCh38, 1-based): chr2:21,013,214, G>T on the plus strand (C>A on the coding strand, the complement: APOB is on the minus strand). VCF-style: chr2-21013214-G-T. GRCh37 (hg19) VCF-style: chr2-21236086-G-T.
Other names: short protein forms R1388S.
Identifiers: ClinVar variation 3231412 (VCV003231412.1), dbSNP rs267599185, ClinGen allele CA346007495.

ClinVar aggregate classification (germline): Uncertain significance (1 of 4 stars; one submission).

Conditions:
Cardiovascular phenotype. Identifiers: MedGen CN230736.

Submission:

Ambry Genetics
Classification: Uncertain significance for Cardiovascular phenotype. Last evaluated: 2024-03-02. Review status: criteria provided, single submitter. Criteria: Ambry Variant Classification Scheme 2023. Collection method: clinical testing. Allele origin: germline.
Comment: The p.R1388S variant (also known as c.4162C>A), located in coding exon 25 of the APOB gene, results from a C to A substitution at nucleotide position 4162. The arginine at codon 1388 is replaced by serine, an amino acid with dissimilar properties. This amino acid position is conserved. In addition, this alteration is predicted to be tolerated by in silico analysis. Based on the available evidence, the clinical significance of this alteration remains unclear.